The following is an entry in ClinVar:

NM_004370.6(COL12A1):c.8714G>A (p.Arg2905Gln)

Gene: COL12A1 (collagen type XII alpha 1 chain; minus strand). Cytogenetic location: 6q13.
Variant type: single nucleotide variant.
Coding change: c.8714G>A on transcript NM_004370.6 (MANE Select); coding-DNA position 8714, G replaced by A.
Protein change: p.Arg2905Gln; replaces arginine 2905 with glutamine.
Molecular consequence: missense variant.
Genome position (GRCh38, 1-based): chr6:75,091,361, C>T on the plus strand (G>A on the coding strand, the complement: COL12A1 is on the minus strand). VCF-style: chr6-75091361-C-T. GRCh37 (hg19) VCF-style: chr6-75801077-C-T.
Other names: c.5222G>A, p.Arg1741Gln (NM_080645.3); c.8714G>A (NM_004370.5); short protein forms R2905Q, R1741Q.
Identifiers: ClinVar variation 1380034 (VCV001380034.9), dbSNP rs759065663, ClinGen allele CA3892135.
Genomic context (GRCh38, chr6:75,091,361, plus strand): 5'-GTAAAAAGAAAAGAAATTTTACCACTTATCAATTGTTCACAGACTTGTCTTGCAACTGCT[C>T]GCATCATGTTCTGGGAAGCAATGTCTCCCTTGTTGAATTAATGAGAATGATTAGCATATT-3'
Protein context (NP_004361.3, residues 2895-2915): RGDIASQNMM[Arg2905Gln]AVARQVCEQL

ClinVar aggregate classification (germline): Conflicting classifications of pathogenicity. Review status: criteria provided, conflicting classifications (1 of 4 stars). 4 submissions from 4 submitters: Uncertain significance (3); Likely benign (1). Last evaluated 2025-12-17.

Conditions:
Inborn genetic diseases. Identifiers: MedGen C0950123, MeSH D030342.
Bethlem myopathy 2 (BTHLM2). Identifiers: Orphanet 536516, Orphanet 610, MedGen C4225313, MONDO:0034022, OMIM 616471.
Ullrich congenital muscular dystrophy 2 (UCMD2). Identifiers: Orphanet 75840, MedGen C4225314, MONDO:0014654, OMIM 616470.

Allele frequency attached by ClinVar (database versions not stated): gnomAD exomes 0.00002 and 0.00001; ExAC 0.00001.
gnomAD v4.1: 20 of 1,613,584 alleles (0.0012%); highest among the groups gnomAD compares: Admixed American, 0.0033%; no homozygotes.

Submissions (4):

Labcorp Genetics (formerly Invitae), Labcorp
Classification: Likely benign for Bethlem myopathy 2; Ullrich congenital muscular dystrophy 2. Last evaluated: 2025-12-17. Review status: criteria provided, single submitter. Criteria: Invitae Variant Classification Sherloc (09022015). Collection method: clinical testing. Allele origin: germline.

Ambry Genetics
Classification: Uncertain significance for Inborn genetic diseases. Last evaluated: 2024-10-20. Review status: criteria provided, single submitter. Criteria: Ambry Variant Classification Scheme 2023. Collection method: clinical testing. Allele origin: germline.

Revvity Omics, Revvity
Classification: Uncertain significance. Last evaluated: 2023-12-27. Review status: criteria provided, single submitter. Criteria: ACMG Guidelines, 2015. Collection method: clinical testing. Allele origin: germline.

GeneDx
Classification: Uncertain significance. Last evaluated: 2023-03-13. Review status: criteria provided, single submitter. Criteria: GeneDx Variant Classification Process June 2021. Collection method: clinical testing. Allele origin: germline. Affected: yes.
Comment: In silico analysis supports that this missense variant does not alter protein structure/function; Has not been previously published as pathogenic or benign to our knowledge